The following is an entry in ClinVar:

NM_003640.5(ELP1):c.573G>A (p.Trp191Ter)

Gene: ELP1 (elongator acetyltransferase complex subunit 1; minus strand). Cytogenetic location: 9q31.3.
Variant type: single nucleotide variant.
Coding change: c.573G>A on transcript NM_003640.5 (MANE Select); coding-DNA position 573, G replaced by A.
Protein change: p.Trp191Ter; replaces tryptophan 191 with a stop codon.
Molecular consequence: nonsense. On other transcripts: intron variant (1).
Genome position (GRCh38, 1-based): chr9:108,919,329, C>T on the plus strand (G>A on the coding strand, the complement: ELP1 is on the minus strand). VCF-style: chr9-108919329-C-T. GRCh37 (hg19) VCF-style: chr9-111681609-C-T.
Other names: c.231G>A, p.Trp77Ter (NM_001318360.2); c.-307-1659G>A (NM_001330749.2); short protein forms W191*, W77*.
Identifiers: ClinVar variation 4815244 (VCV004815244.1).
Genomic context (GRCh38, chr9:108,919,329, plus strand): 5'-AACACTCACAGCAAAAAACTGTCCATCCCCCCGCCAGGTAACTTGTGGTCTATGGTCATC[C>T]CAGGGCAAAGCAGACTCATGCTAAAAAGGGGAACAAACACCAATATTACTGGGGGACCTT-3'

ClinVar aggregate classification (germline): Likely pathogenic (1 of 4 stars; one submission).

Conditions:
Familial dysautonomia. Also called: HSAN III; FD. Identifiers: Orphanet 1764, MedGen C0013364, MONDO:0009131, OMIM 223900. Disease mechanism: loss of function.

Submission:

Natera, Inc.
Classification: Likely pathogenic for Familial dysautonomia. Last evaluated: 2025-08-29. Review status: criteria provided, single submitter. Criteria: Natera Variant Classification Schema (03/2026). Collection method: clinical testing. Allele origin: germline.
Comment: The c.573G>A variant in ELP1 is a nonsense variant predicted to introduce a stop codon at amino acid 191. This variant is expected to result in nonsense mediated decay, truncation, or a dysfunctional protein product. This variant is rare in the general population with a frequency below the threshold expected for the associated phenotype(s). Given the available evidence, this variant is classified as Likely Pathogenic.